The following is an entry in ClinVar:

NM_031433.4(MFRP):c.761C>T (p.Ala254Val)

Genes: C1QTNF5 (C1q and TNF related 5; minus strand), MFRP (membrane frizzled-related protein; minus strand). Cytogenetic location: 11q23.3.
Variant type: single nucleotide variant.
Coding change: c.761C>T on transcript NM_031433.4 (MANE Select); coding-DNA position 761, C replaced by T.
Protein change: p.Ala254Val; replaces alanine 254 with valine.
Molecular consequence: missense variant. On other transcripts: 5 prime UTR variant (1).
Genome position (GRCh38, 1-based): chr11:119,344,885, G>A on the plus strand (C>T on the coding strand, the complement: MFRP is on the minus strand). VCF-style: chr11-119344885-G-A. GRCh37 (hg19) VCF-style: chr11-119215595-G-A.
Other names: c.-1876C>T (NM_015645.5); short protein forms A254V.
Identifiers: ClinVar variation 1429386 (VCV001429386.9), dbSNP rs528492104, ClinGen allele CA6320427.
Genomic context (GRCh38, chr11:119,344,885, plus strand): 5'-TGGAGGGGAAGAAAGTGGACACTCAACAGGCAGGTGGGAACACACTCACCGCGCCCAGGG[G>A]CCATAGCCTGGTACCAGGCATGGAAACCAAATCCTTCCACACTGCTGTCAGAGACGAAGA-3'
Protein context (NP_113621.1, residues 244-264): FGFHAWYQAM[Ala254Val]PGRGSCAHDE

ClinVar aggregate classification (germline): Uncertain significance. Review status: criteria provided, multiple submitters, no conflicts (2 of 4 stars). 2 submissions from 2 submitters: Uncertain significance (2). Last evaluated 2020-12-02.

Conditions:
Isolated microphthalmia 5. Also called: Posterior Microphthalmia with Retinitis Pigmentosa, Foveoschisis, and Optic Disc Drusen. Identifiers: Orphanet 251279, MedGen C1970236, MONDO:0012605, OMIM 611040.

Allele frequency attached by ClinVar (database versions not stated): TOPMed 0.00001; gnomAD exomes 0.00002; 1000 Genomes Project 0.00020; 1000 Genomes Project 30x 0.00031; ExAC 0.00003; gnomAD 0.00001.
gnomAD v4.1: 7 of 1,612,986 alleles (0.00043%); highest among the groups gnomAD compares: African/African-American, 0.0013%; no homozygotes.

Submissions (2):

Labcorp Genetics (formerly Invitae), Labcorp
Classification: Uncertain significance for Isolated microphthalmia 5. Last evaluated: 2020-12-02. Review status: criteria provided, single submitter. Criteria: Invitae Variant Classification Sherloc (09022015). Collection method: clinical testing. Allele origin: germline.
Comment: This variant is present in population databases (rs528492104, ExAC 0.01%). In summary, the available evidence is currently insufficient to determine the role of this variant in disease. Therefore, it has been classified as a Variant of Uncertain Significance. Algorithms developed to predict the effect of missense changes on protein structure and function output the following: SIFT: "Tolerated"; PolyPhen-2: "Benign"; Align-GVGD: "Class C0". The valine amino acid residue is found in multiple mammalian species, suggesting that this missense change does not adversely affect protein function. These predictions have not been confirmed by published functional studies and their clinical significance is uncertain. This variant has not been reported in the literature in individuals with MFRP-related conditions. This sequence change replaces alanine with valine at codon 254 of the MFRP protein (p.Ala254Val). The alanine residue is moderately conserved and there is a small physicochemical difference between alanine and valine.

Blueprint Genetics
Classification: Uncertain significance. Last evaluated: 2020-03-20. Review status: criteria provided, single submitter. Criteria: ACMG Guidelines, 2015. Collection method: clinical testing. Allele origin: germline.